The following is an entry in ClinVar:

NM_001286577.2(C2CD3):c.5495+4A>G

Gene: C2CD3 (C2 domain containing 3 centriole elongation regulator; minus strand). Cytogenetic location: 11q13.4.
Variant type: single nucleotide variant.
Coding change: c.5495+4A>G on transcript NM_001286577.2 (MANE Select); 4 bases into the intron after coding-DNA position 5495, A replaced by G.
Molecular consequence: intron variant.
Genome position (GRCh38, 1-based): chr11:74,048,201, T>C on the plus strand (A>G on the coding strand, the complement: C2CD3 is on the minus strand). VCF-style: chr11-74048201-T-C. GRCh37 (hg19) VCF-style: chr11-73759246-T-C.
Other names: c.5495+4A>G (NM_015531.6).
Identifiers: ClinVar variation 1395745 (VCV001395745.10), dbSNP rs375920052, ClinGen allele CA6181873.

ClinVar aggregate classification (germline): Uncertain significance. Review status: criteria provided, multiple submitters, no conflicts (2 of 4 stars). 2 submissions from 2 submitters: Uncertain significance (2). Last evaluated 2024-02-17.

Conditions:
Orofaciodigital syndrome type 14. Also called: Orofaciodigital syndrome xiv. Identifiers: Orphanet 434179, MedGen C4706604, MONDO:0014413, OMIM 615948.

Allele frequency attached by ClinVar (database versions not stated): gnomAD exomes 0.00001; ExAC 0.00003; ESP Exome Variant Server 0.00008; gnomAD 0.00009 and 0.00010; TOPMed 0.00011.
gnomAD v4.1: 29 of 1,612,302 alleles (0.0018%); highest among the groups gnomAD compares: African/African-American, 0.035%; no homozygotes.

Submissions (2):

Labcorp Genetics (formerly Invitae), Labcorp
Classification: Uncertain significance. Last evaluated: 2024-02-17. Review status: criteria provided, single submitter. Criteria: Invitae Variant Classification Sherloc (09022015). Collection method: clinical testing. Allele origin: germline.
Comment: This sequence change falls in intron 28 of the C2CD3 gene. It does not directly change the encoded amino acid sequence of the C2CD3 protein. It affects a nucleotide within the consensus splice site. This variant is present in population databases (rs375920052, gnomAD 0.03%). This variant has not been reported in the literature in individuals affected with C2CD3-related conditions. ClinVar contains an entry for this variant (Variation ID: 1395745). Variants that disrupt the consensus splice site are a relatively common cause of aberrant splicing (PMID: 17576681, 9536098). Algorithms developed to predict the effect of sequence changes on RNA splicing suggest that this variant is not likely to affect RNA splicing. In summary, the available evidence is currently insufficient to determine the role of this variant in disease. Therefore, it has been classified as a Variant of Uncertain Significance.

Revvity Omics, Revvity
Classification: Uncertain significance for Orofaciodigital syndrome type 14. Last evaluated: 2021-10-13. Review status: criteria provided, single submitter. Criteria: ACMG Guidelines, 2015. Collection method: clinical testing. Allele origin: germline.

Literature cited by the submitters: PubMed 17576681 (cited by Labcorp Genetics (formerly Invitae), Labcorp); PubMed 9536098 (cited by Labcorp Genetics (formerly Invitae), Labcorp).